The following is an entry in ClinVar:

NM_080425.4(GNAS):c.207A>T (p.Gly69=)

Gene: GNAS (GNAS complex locus; plus strand). Cytogenetic location: 20q13.32.
Variant type: single nucleotide variant.
Coding change: c.207A>T on transcript NM_080425.4 (MANE Plus Clinical); coding-DNA position 207, A replaced by T.
Protein change: p.Gly69=; no amino-acid change (glycine 69 retained).
Molecular consequence: synonymous variant. On other transcripts: missense variant (2), intron variant (3).
Genome position (GRCh38, 1-based): chr20:58,853,472, A>T. VCF-style: chr20-58853472-A-T. GRCh37 (hg19) VCF-style: chr20-57428527-A-T.
Other names: c.20A>T, p.Asp7Val (NM_001077490.3, NM_001309883.1); c.207A>T, p.Gly69= (NM_001410913.1); c.*42+12586A>T (NM_016592.5); c.43+12586A>T (NM_001410912.1); c.-39+11597A>T (NM_001309861.2); short protein forms D7V.
Identifiers: ClinVar variation 1711541 (VCV001711541.27), dbSNP rs1281541744, ClinGen allele CA409454716.

ClinVar aggregate classification (germline): Uncertain significance (1 of 4 stars; one submission).

Allele frequency attached by ClinVar (database versions not stated): gnomAD exomes below 0.00001.

Submission:

CeGaT Center for Human Genetics Tuebingen
Classification: Uncertain significance. Last evaluated: 2022-09-01. Review status: criteria provided, single submitter. Criteria: CeGaT Center For Human Genetics Tuebingen Variant Classification Criteria Version 2. Collection method: clinical testing. Allele origin: germline. Affected: yes. Observed: 1 variant allele.
Comment: GNAS: PM2, BP4